The following is an entry in ClinVar:

NM_000501.4(ELN):c.35G>T (p.Gly12Val)

Gene: ELN (elastin; plus strand). Cytogenetic location: 7q11.23.
Variant type: single nucleotide variant.
Coding change: c.35G>T on transcript NM_000501.4 (MANE Select); coding-DNA position 35, G replaced by T.
Protein change: p.Gly12Val; replaces glycine 12 with valine.
Molecular consequence: missense variant.
Genome position (GRCh38, 1-based): chr7:74,028,222, G>T. VCF-style: chr7-74028222-G-T. GRCh37 (hg19) VCF-style: chr7-73442552-G-T.
Other names: c.35G>T (NM_000501.2); c.35G>T, p.Gly12Val (NM_001081752.3, NM_001081753.3, NM_001081754.3 and 9 more transcripts); short protein forms G12V.
Identifiers: ClinVar variation 872754 (VCV000872754.56), dbSNP rs367634266, ClinGen allele CA4292222.

ClinVar aggregate classification (germline): Conflicting classifications of pathogenicity. Review status: criteria provided, conflicting classifications (1 of 4 stars). 7 submissions from 6 submitters: Uncertain significance (5); Likely benign (2). Last evaluated 2026-08-27.

Conditions:
Cutis laxa, autosomal dominant 1 (ADCL1). Also called: ELN-Related Cutis Laxa. Identifiers: Orphanet 90348, MedGen C3276539, MONDO:0007411, OMIM 123700. Disease mechanism: Dominant Negative.
Supravalvar aortic stenosis (SVAS). Also called: Supravalvar aortic stenosis, Eisenberg type. Identifiers: Orphanet 3193, MedGen C0003499, MONDO:0008504, OMIM 185500, HP:0004381.
Williams syndrome (WBS). Also called: WILLIAMS-BEUREN SYNDROME; CHROMOSOME 7q11.23 DELETION SYNDROME, 1.5- TO 1.8-MB. Identifiers: Orphanet 904, MedGen C0175702, MONDO:0008678, OMIM 194050. Disease mechanism: loss of function.

Allele frequency attached by ClinVar (database versions not stated): ESP Exome Variant Server 0.00008; TOPMed 0.00009; gnomAD 0.00011 and 0.00012.
gnomAD v4.1: 214 of 1,611,056 alleles (0.013%); highest among the groups gnomAD compares: Non-Finnish European, 0.017%; no homozygotes.

Submissions (7):

GeneDx
Classification: Uncertain significance. Last evaluated: 2026-08-27. Review status: criteria provided, single submitter. Criteria: GeneDx Variant Classification Process June 2021. Collection method: clinical testing. Allele origin: germline.
Comment: Has not been previously published as pathogenic or benign to our knowledge; In silico analysis supports that this missense variant has a deleterious effect on protein structure/function

Labcorp Genetics (formerly Invitae), Labcorp
Classification: Uncertain significance for Supravalvar aortic stenosis. Last evaluated: 2026-01-12. Review status: criteria provided, single submitter. Criteria: Invitae Variant Classification Sherloc (09022015). Collection method: clinical testing. Allele origin: germline.
Comment: This sequence change replaces glycine, which is neutral and non-polar, with valine, which is neutral and non-polar, at codon 12 of the ELN protein (p.Gly12Val). This variant is present in population databases (rs367634266, gnomAD 0.007%). This variant has not been reported in the literature in individuals affected with ELN-related conditions. ClinVar contains an entry for this variant (Variation ID: 872754). Invitae Evidence Modeling of protein sequence and biophysical properties (such as structural, functional, and spatial information, amino acid conservation, physicochemical variation, residue mobility, and thermodynamic stability) indicates that this missense variant is not expected to disrupt ELN protein function with a negative predictive value of 80%. In summary, the available evidence is currently insufficient to determine the role of this variant in disease. Therefore, it has been classified as a Variant of Uncertain Significance.

CeGaT Center for Human Genetics Tuebingen
Classification: Likely benign. Last evaluated: 2024-11-01. Review status: criteria provided, single submitter. Criteria: CeGaT Center For Human Genetics Tuebingen Variant Classification Criteria Version 2. Collection method: clinical testing. Allele origin: germline. Affected: yes. Observed: 3 variant alleles.
Comment: ELN: BS2

Blueprint Genetics
Classification: Likely benign. Last evaluated: 2023-04-26. Review status: criteria provided, single submitter. Criteria: ACMG Guidelines, 2015. Collection method: clinical testing. Allele origin: germline.

Fulgent Genetics
Classification: Uncertain significance for Cutis laxa, autosomal dominant 1; Supravalvar aortic stenosis; Williams syndrome. Last evaluated: 2021-10-30. Review status: criteria provided, single submitter. Criteria: ACMG Guidelines, 2015. Collection method: clinical testing. Allele origin: unknown.

Illumina Laboratory Services, Illumina
Classification: Uncertain significance for Cutis laxa, autosomal dominant 1. Last evaluated: 2017-04-27. Review status: criteria provided, single submitter. Criteria: ICSL Variant Classification Criteria 13 December 2019. Collection method: clinical testing. Allele origin: germline.

Illumina Laboratory Services, Illumina
Classification: Uncertain significance for Supravalvar aortic stenosis. Last evaluated: 2017-04-27. Review status: criteria provided, single submitter. Criteria: ICSL Variant Classification Criteria 13 December 2019. Collection method: clinical testing. Allele origin: germline.